The following is an entry in ClinVar:

ClinVar aggregate classification (germline): Conflicting classifications of pathogenicity. Review status: criteria provided, conflicting classifications (1 of 4 stars). 8 submissions from 8 submitters: Uncertain significance (5); Likely benign (2). 1 of the submissions does not count toward it. Last evaluated 2026-01-07.

Conditions:
Hereditary cancer-predisposing syndrome. Also called: Hereditary Cancer Syndrome; Tumor predisposition; Neoplastic Syndromes, Hereditary; Hereditary neoplastic syndrome. Identifiers: Orphanet 140162, MedGen C0027672, MeSH D009386, MONDO:0015356.
Familial cancer of breast. Also called: hereditary breast carcinoma; BREAST CANCER, FAMILIAL; Hereditary breast cancer. Identifiers: Orphanet 227535, MedGen C0346153, MONDO:0016419, OMIM 114480. Disease mechanism: loss of function.
Ataxia-telangiectasia syndrome (AT). Also called: ATAXIA-TELANGIECTASIA, COMPLEMENTATION GROUP A; ATAXIA-TELANGIECTASIA, FRESNO VARIANT; Ataxia-telangiectasia; Ataxia-telangiectasia, complementation group E; Cerebello-oculocutaneous telangiectasia; Immunodeficiency with ataxia telangiectasia. Identifiers: Orphanet 100, MedGen C0004135, MONDO:0008840, OMIM 208900.

Allele frequency attached by ClinVar (database versions not stated): gnomAD exomes 0.00001; gnomAD 0.00002; ExAC 0.00002; TOPMed 0.00001; ESP Exome Variant Server 0.00008.
gnomAD v4.1: 15 of 1,614,060 alleles (0.00093%); highest among the groups gnomAD compares: African/African-American, 0.0027%; no homozygotes.

Submissions (8):

Labcorp Genetics (formerly Invitae), Labcorp
Classification: Likely benign for Ataxia-telangiectasia syndrome. Last evaluated: 2026-01-07. Review status: criteria provided, single submitter. Criteria: Invitae Variant Classification Sherloc (09022015). Collection method: clinical testing. Allele origin: germline.

CeGaT Center for Human Genetics Tuebingen
Classification: Uncertain significance. Last evaluated: 2025-02-01. Review status: criteria provided, single submitter. Criteria: CeGaT Center For Human Genetics Tuebingen Variant Classification Criteria Version 2. Collection method: clinical testing. Allele origin: germline. Affected: yes. Observed: 1 variant allele.

Fulgent Genetics
Classification: Uncertain significance for Familial cancer of breast; Ataxia-telangiectasia syndrome. Last evaluated: 2024-02-21. Review status: criteria provided, single submitter. Criteria: ACMG Guidelines, 2015. Collection method: clinical testing. Allele origin: germline.

Baylor Genetics
Classification: Uncertain significance for Familial cancer of breast. Last evaluated: 2024-01-16. Review status: criteria provided, single submitter. Criteria: ACMG Guidelines, 2015. Collection method: clinical testing. Allele origin: unknown.

Ambry Genetics
Classification: Likely benign for Hereditary cancer-predisposing syndrome. Last evaluated: 2023-11-30. Review status: criteria provided, single submitter. Criteria: Ambry Variant Classification Scheme 2023. Collection method: clinical testing. Allele origin: germline.

GeneDx
Classification: Uncertain significance. Last evaluated: 2022-12-02. Review status: criteria provided, single submitter. Criteria: GeneDx Variant Classification Process June 2021. Collection method: clinical testing. Allele origin: germline. Affected: yes.
Comment: Not observed at significant frequency in large population cohorts (gnomAD); In silico analysis supports that this missense variant does not alter protein structure/function; Has not been previously published as pathogenic or benign to our knowledge; This variant is associated with the following publications: (PMID: 23532176)

Color Diagnostics, LLC DBA Color Health
Classification: Uncertain significance for Hereditary cancer-predisposing syndrome. Last evaluated: 2022-09-19. Review status: criteria provided, single submitter. Criteria: ACMG Guidelines, 2015. Collection method: clinical testing. Allele origin: germline.
Comment: This missense variant replaces isoleucine with threonine at codon 3040 of the ATM protein. Computational prediction suggests that this variant may not impact protein structure and function (internally defined REVEL score threshold <= 0.5, PMID: 27666373). To our knowledge, functional studies have not been reported for this variant. In a large international case-control study, this variant was reported in 2/60464 breast cancer cases and 1/53460 controls (PMID: 33471991). This variant has been identified in 3/282838 chromosomes in the general population by the Genome Aggregation Database (gnomAD). The available evidence is insufficient to determine the role of this variant in disease conclusively. Therefore, this variant is classified as a Variant of Uncertain Significance.

Natera, Inc.
Classification: Uncertain significance for Ataxia-telangiectasia. Last evaluated: 2020-09-16. Review status: no assertion criteria provided. Collection method: clinical testing. Allele origin: germline. Not counted in ClinVar's aggregate classification.

Literature cited by the submitters: PubMed 33471991 (cited by Ambry Genetics and Color Diagnostics, LLC DBA Color Health).

NM_000051.4(ATM):c.9119T>C (p.Ile3040Thr)

Genes: ATM (ATM serine/threonine kinase; plus strand), C11orf65 (chromosome 11 open reading frame 65; minus strand). Cytogenetic location: 11q22.3.
Variant type: single nucleotide variant.
Coding change: c.9119T>C on transcript NM_000051.4 (MANE Select); coding-DNA position 9119, T replaced by C.
Protein change: p.Ile3040Thr; replaces isoleucine 3040 with threonine.
Molecular consequence: missense variant. On other transcripts: intron variant (2).
Genome position (GRCh38, 1-based): chr11:108,365,456, T>C. VCF-style: chr11-108365456-T-C. GRCh37 (hg19) VCF-style: chr11-108236183-T-C.
Other names: c.9119T>C, p.Ile3040Thr (NM_001351834.2); c.640+20464A>G (NM_001330368.2); c.694+20464A>G (NM_001351110.2); short protein forms I3040T.
Identifiers: ClinVar variation 187317 (VCV000187317.35), dbSNP rs369870357, ClinGen allele CA197338.
Genomic context (GRCh38, chr11:108,365,456, plus strand): 5'-TGGAAGAAGGCACTGTGCTCAGTGTTGGTGGACAAGTGAATTTGCTCATACAGCAGGCCA[T>C]AGACCCCAAAAATCTCAGCCGACTTTTCCCAGGATGGAAAGCTTGGGTGTGATCTTCAGT-3'
Protein context (NP_000042.3, residues 3030-3050): GQVNLLIQQA[Ile3040Thr]DPKNLSRLFP